The following is an entry in ClinVar:

ClinVar aggregate classification (germline): Pathogenic (1 of 4 stars; one submission).

Submission:

Labcorp Genetics (formerly Invitae), Labcorp
Classification: Pathogenic. Last evaluated: 2025-10-07. Review status: criteria provided, single submitter. Criteria: Invitae Variant Classification Sherloc (09022015). Collection method: clinical testing. Allele origin: germline.
Comment: This sequence change creates a premature translational stop signal (p.Glu110Argfs*2) in the GJB2 gene. While this is not anticipated to result in nonsense mediated decay, it is expected to disrupt the last 117 amino acid(s) of the GJB2 protein. This variant is not present in population databases (gnomAD no frequency). This premature translational stop signal has been observed in individual(s) with autosomal recessive deafness (PMID: 15617546). In at least one individual the data is consistent with being in trans (on the opposite chromosome) from a pathogenic variant. It has also been observed to segregate with disease in related individuals. ClinVar contains an entry for this variant (Variation ID: 2137457). This variant disrupts a region of the GJB2 protein in which other variant(s) (p.Arg216Ilefs*17) have been determined to be pathogenic (PMID: 11102979, 17041943, 17666888, 25288386). This suggests that this is a clinically significant region of the protein, and that variants that disrupt it are likely to be disease-causing. For these reasons, this variant has been classified as Pathogenic.

Literature cited by the submitters: PubMed 15617546; PubMed 11102979; PubMed 17041943; PubMed 17666888; PubMed 25288386.

NM_004004.6(GJB2):c.328del (p.Glu110fs)

Gene: GJB2 (gap junction protein beta 2; minus strand). Cytogenetic location: 13q12.11.
Variant type: Deletion.
Coding change: c.328del on transcript NM_004004.6 (MANE Select); coding-DNA position 328, one base deleted (G; older notation c.328delG).
Protein change: p.Glu110fs; shifts the reading frame from glutamic acid 110.
Molecular consequence: frameshift variant.
Genome position (GRCh38, 1-based): chr13:20,189,254, C deleted on the plus strand (G on the coding strand, the reverse complement: GJB2 is on the minus strand); the first of 5 consecutive C bases (chr13:20,189,254-20,189,258); deleting any one gives the same sequence. VCF-style (leftmost placement, unchanged base first): chr13-20189253-TC-T. GRCh37 (hg19) VCF-style: chr13-20763392-TC-T.
Other names: short protein forms E110fs.
Identifiers: ClinVar variation 2137457 (VCV002137457.4), dbSNP rs2500251103, ClinGen allele CA2580086790.
Genomic context (GRCh38, chr13:20,189,253, plus strand): 5'-CCTTCGATGCGGACCTTCTGGGTTTTGATCTCCTCGATGTCCTTAAATTCACTCTTTATC[TC>T]CCCCTTGATGAACTTCCTCTTCTTCTCATGTCTCCGGTAGGCCACGTGCATGGCCACTAG-3'